The following is an entry in ClinVar:

ClinVar aggregate classification (germline): Uncertain significance (1 of 4 stars; one submission).

Conditions:
Epidermodysplasia verruciformis. Identifiers: Orphanet 302, MedGen C0014522, MONDO:0009176.

Allele frequency attached by ClinVar (database versions not stated): gnomAD exomes below 0.00001; ExAC 0.00001.
gnomAD v4.1: 2 of 1,613,840 alleles (0.00012%); highest among the groups gnomAD compares: Non-Finnish European, 0.00017%; no homozygotes.

Submission:

Labcorp Genetics (formerly Invitae), Labcorp
Classification: Uncertain significance for Epidermodysplasia verruciformis. Last evaluated: 2020-03-07. Review status: criteria provided, single submitter. Criteria: Invitae Variant Classification Sherloc (09022015). Collection method: clinical testing. Allele origin: germline.
Comment: In summary, the available evidence is currently insufficient to determine the role of this variant in disease. Therefore, it has been classified as a Variant of Uncertain Significance. Algorithms developed to predict the effect of missense changes on protein structure and function output the following: SIFT: "Tolerated"; PolyPhen-2: "Benign"; Align-GVGD: "Class C0". The leucine amino acid residue is found in multiple mammalian species, suggesting that this missense change does not adversely affect protein function. These predictions have not been confirmed by published functional studies and their clinical significance is uncertain. This variant has not been reported in the literature in individuals with TMC8-related conditions. This variant is present in population databases (rs748873052, ExAC 0.002%). This sequence change replaces phenylalanine with leucine at codon 179 of the TMC8 protein (p.Phe179Leu). The phenylalanine residue is weakly conserved and there is a small physicochemical difference between phenylalanine and leucine.

NM_152468.5(TMC8):c.537C>G (p.Phe179Leu)

Gene: TMC8 (transmembrane channel like 8; plus strand). Cytogenetic location: 17q25.3.
Variant type: single nucleotide variant.
Coding change: c.537C>G on transcript NM_152468.5 (MANE Select); coding-DNA position 537, C replaced by G.
Protein change: p.Phe179Leu; replaces phenylalanine 179 with leucine.
Molecular consequence: missense variant.
Genome position (GRCh38, 1-based): chr17:78,133,411, C>G. VCF-style: chr17-78133411-C-G. GRCh37 (hg19) VCF-style: chr17-76129492-C-G.
Other names: short protein forms F179L.
Identifiers: ClinVar variation 1002256 (VCV001002256.9), dbSNP rs748873052, ClinGen allele CA8796504.